The following is an entry in ClinVar:

ClinVar aggregate classification (germline): Uncertain significance (1 of 4 stars; one submission).

Conditions:
Dilated cardiomyopathy 1DD (CMD1DD). Identifiers: Orphanet 154, MedGen C2750995, MONDO:0013168, OMIM 613172.

Submission:

Labcorp Genetics (formerly Invitae), Labcorp
Classification: Uncertain significance for Dilated cardiomyopathy 1DD. Last evaluated: 2025-08-03. Review status: criteria provided, single submitter. Criteria: Invitae Variant Classification Sherloc (09022015). Collection method: clinical testing. Allele origin: germline.
Comment: This sequence change replaces histidine, which is basic and polar, with arginine, which is basic and polar, at codon 197 of the RBM20 protein (p.His197Arg). This variant is not present in population databases (gnomAD no frequency). This variant has not been reported in the literature in individuals affected with RBM20-related conditions. Invitae Evidence Modeling of protein sequence and biophysical properties (such as structural, functional, and spatial information, amino acid conservation, physicochemical variation, residue mobility, and thermodynamic stability) indicates that this missense variant is not expected to disrupt RBM20 protein function with a negative predictive value of 95%. In summary, the available evidence is currently insufficient to determine the role of this variant in disease. Therefore, it has been classified as a Variant of Uncertain Significance.

NM_001134363.3(RBM20):c.590A>G (p.His197Arg)

Gene: RBM20 (RNA binding motif protein 20; plus strand). Cytogenetic location: 10q25.2.
Variant type: single nucleotide variant.
Coding change: c.590A>G on transcript NM_001134363.3 (MANE Select); coding-DNA position 590, A replaced by G.
Protein change: p.His197Arg; replaces histidine 197 with arginine.
Molecular consequence: missense variant.
Genome position (GRCh38, 1-based): chr10:110,781,199, A>G. VCF-style: chr10-110781199-A-G. GRCh37 (hg19) VCF-style: chr10-112540957-A-G.
Other names: short protein forms H197R.
Identifiers: ClinVar variation 4802646 (VCV004802646.1).
Genomic context (GRCh38, chr10:110,781,199, plus strand): 5'-CACGAGGCCCCGGACCCTCCATGAACCTTCCCAACCAGCCACCCAGTGCCATGGTGATGC[A>G]TCCTTTCACTGGGGTAATGCCTCAGACCCCTGGCCAGCCAGCAGTCATCTTGGGCATTGG-3'
Protein context (NP_001127835.2, residues 187-207): PNQPPSAMVM[His197Arg]PFTGVMPQTP